The following is an entry in ClinVar:

NM_001009944.3(PKD1):c.12844G>T (p.Asp4282Tyr)

Gene: PKD1 (polycystin 1, transient receptor potential channel interacting; minus strand). Cytogenetic location: 16p13.3.
Variant type: single nucleotide variant.
Coding change: c.12844G>T on transcript NM_001009944.3 (MANE Select); coding-DNA position 12844, G replaced by T.
Protein change: p.Asp4282Tyr; replaces aspartic acid 4282 with tyrosine.
Molecular consequence: missense variant.
Genome position (GRCh38, 1-based): chr16:2,089,795, C>A on the plus strand (G>T on the coding strand, the complement: PKD1 is on the minus strand). VCF-style: chr16-2089795-C-A. GRCh37 (hg19) VCF-style: chr16-2139796-C-A.
Other names: c.12841G>T, p.Asp4281Tyr (NM_000296.4); short protein forms D4281Y, D4282Y.
Identifiers: ClinVar variation 2633681 (VCV002633681.1), dbSNP rs2544571392, ClinGen allele CA394319358.

ClinVar aggregate classification (germline): Uncertain significance (1 of 4 stars; one submission).

Conditions:
PKD1-related disorder. Also called: PKD1-related condition.

Allele frequency attached by ClinVar (database versions not stated): gnomAD exomes below 0.00001.
gnomAD v4.1: 1 of 1,597,600 alleles (0.000063%); highest among the groups gnomAD compares: Non-Finnish European, 0.000085%; no homozygotes.

Submission:

PreventionGenetics, part of Exact Sciences
Classification: Uncertain significance for PKD1-related condition. Last evaluated: 2023-03-08. Review status: criteria provided, single submitter. Criteria: ACMG Guidelines, 2015. Collection method: clinical testing. Allele origin: germline.
Comment: The PKD1 c.12844G>T variant is predicted to result in the amino acid substitution p.Asp4282Tyr. To our knowledge, this variant has not been reported in the literature or in a large population database, indicating this variant is rare. At this time, the clinical significance of this variant is uncertain due to the absence of conclusive functional and genetic evidence.